The following is an entry in ClinVar:

ClinVar aggregate classification (germline): Uncertain significance (1 of 4 stars; one submission).

Conditions:
Kleefstra syndrome 2 (KLEFS2). Identifiers: MedGen C4540395, MONDO:0054701, OMIM 617768.

gnomAD v4.1: 1 of 1,611,358 alleles (0.000062%); highest among the groups gnomAD compares: Non-Finnish European, 0.000085%; no homozygotes.

Submission:

Servicio de Genética Del Instituto Nacional de Salud Del Niño, Ministerio de Salud
Classification: Uncertain significance for Kleefstra syndrome 2. Last evaluated: 2024-11-18. Review status: criteria provided, single submitter. Criteria: ACMG Guidelines, 2015. Collection method: clinical testing. Allele origin: germline. Inheritance: Autosomal dominant inheritance.
Comment: The variant NM_170606.3:c.1513G>A, p.Asp505Asn results in the substitution of aspartic acid with asparagine at position 505 in the protein. Aspartic acid is a negatively charged amino acid, while asparagine is neutral. This substitution may affect the protein's structure or function due to the loss of charge. Based on ACMG/AMP guidelines, PM2 (absent in population databases), the variant is classified as uncertain significance.

NM_170606.3(KMT2C):c.1513G>A (p.Asp505Asn)

Gene: KMT2C (lysine methyltransferase 2C; minus strand). Cytogenetic location: 7q36.1.
Variant type: single nucleotide variant.
Coding change: c.1513G>A on transcript NM_170606.3 (MANE Select); coding-DNA position 1513, G replaced by A.
Protein change: p.Asp505Asn; replaces aspartic acid 505 with asparagine.
Molecular consequence: missense variant.
Genome position (GRCh38, 1-based): chr7:152,252,047, C>T on the plus strand (G>A on the coding strand, the complement: KMT2C is on the minus strand). VCF-style: chr7-152252047-C-T. GRCh37 (hg19) VCF-style: chr7-151949132-C-T.
Other names: short protein forms D505N.
Identifiers: ClinVar variation 3381235 (VCV003381235.2).